The following is an entry in ClinVar:

ClinVar aggregate classification (germline): Uncertain significance (1 of 4 stars; one submission).

Submission:

GeneDx
Classification: Uncertain significance. Last evaluated: 2022-11-16. Review status: criteria provided, single submitter. Criteria: GeneDx Variant Classification Process June 2021. Collection method: clinical testing. Allele origin: germline. Affected: yes.
Comment: Not observed at significant frequency in large population cohorts (gnomAD); In silico analysis supports that this missense variant has a deleterious effect on protein structure/function; Has not been previously published as pathogenic or benign to our knowledge

NM_004606.5(TAF1):c.3335A>G (p.Lys1112Arg)

Gene: TAF1 (TATA-box binding protein associated factor 1; plus strand). Cytogenetic location: Xq13.1.
Variant type: single nucleotide variant.
Coding change: c.3335A>G on transcript NM_004606.5 (MANE Select); coding-DNA position 3335, A replaced by G.
Protein change: p.Lys1112Arg; replaces lysine 1112 with arginine.
Molecular consequence: missense variant. On other transcripts: non-coding transcript variant (9).
Genome position (GRCh38, 1-based): chrX:71,394,174, A>G. VCF-style: chrX-71394174-A-G. GRCh37 (hg19) VCF-style: chrX-70614024-A-G.
Other names: c.3335A>G, p.Lys1112Arg (NM_001286074.2); c.3272A>G, p.Lys1091Arg (NM_138923.4); short protein forms K1091R, K1112R.
Identifiers: ClinVar variation 2504288 (VCV002504288.1), dbSNP rs2520424125, ClinGen allele CA413528266.
Genomic context (GRCh38, chrX:71,394,174, plus strand): 5'-CAGCTGAAGATAGTGACTTTGAAGAAATGGGAAAGAACATTGAGAACATGTTGCAGAACA[A>G]GAAAACCAGCTCTCAGCTTTCACGTGAACGGGAGGAACAGGAGCGGAAGGAACTACAGCG-3'
Protein context (NP_004597.3, residues 1102-1122): GKNIENMLQN[Lys1112Arg]KTSSQLSRER